The following is an entry in ClinVar:

ClinVar aggregate classification (germline): Uncertain significance (1 of 4 stars; one submission).

Allele frequency attached by ClinVar (database versions not stated): gnomAD exomes below 0.00001.
gnomAD v4.1: 1 of 1,614,108 alleles (0.000062%); highest among the groups gnomAD compares: Non-Finnish European, 0.000085%; no homozygotes.

Submission:

GeneDx
Classification: Uncertain significance. Last evaluated: 2022-12-08. Review status: criteria provided, single submitter. Criteria: GeneDx Variant Classification Process June 2021. Collection method: clinical testing. Allele origin: germline. Affected: yes.
Comment: Has not been previously published as pathogenic or benign to our knowledge; Not observed at significant frequency in large population cohorts (gnomAD); In silico analysis supports that this missense variant has a deleterious effect on protein structure/function

NM_173076.3(ABCA12):c.4597T>C (p.Ser1533Pro)

Gene: ABCA12 (ATP binding cassette subfamily A member 12; minus strand). Cytogenetic location: 2q35.
Variant type: single nucleotide variant.
Coding change: c.4597T>C on transcript NM_173076.3 (MANE Select); coding-DNA position 4597, T replaced by C.
Protein change: p.Ser1533Pro; replaces serine 1533 with proline.
Molecular consequence: missense variant. On other transcripts: non-coding transcript variant (1).
Genome position (GRCh38, 1-based): chr2:214,980,626, A>G on the plus strand (T>C on the coding strand, the complement: ABCA12 is on the minus strand). VCF-style: chr2-214980626-A-G. GRCh37 (hg19) VCF-style: chr2-215845350-A-G.
Other names: c.3643T>C, p.Ser1215Pro (NM_015657.4); short protein forms S1215P, S1533P.
Identifiers: ClinVar variation 2505004 (VCV002505004.1), dbSNP rs2469228362, ClinGen allele CA350461242.